The following is an entry in ClinVar:

NM_000211.5(ITGB2):c.1224G>A (p.Pro408=)

Gene: ITGB2 (integrin subunit beta 2; minus strand). Cytogenetic location: 21q22.3.
Variant type: single nucleotide variant.
Coding change: c.1224G>A on transcript NM_000211.5 (MANE Select); coding-DNA position 1224, G replaced by A.
Protein change: p.Pro408=; no amino-acid change (proline 408 retained).
Molecular consequence: synonymous variant.
Genome position (GRCh38, 1-based): chr21:44,893,404, C>T on the plus strand (G>A on the coding strand, the complement: ITGB2 is on the minus strand). VCF-style: chr21-44893404-C-T. GRCh37 (hg19) VCF-style: chr21-46313319-C-T.
Other names: c.1224G>A, p.Pro408= (NM_001127491.3); c.1017G>A, p.Pro339= (NM_001303238.2).
Identifiers: ClinVar variation 1009826 (VCV001009826.6), dbSNP rs777120738, ClinGen allele CA10062893.

ClinVar aggregate classification (germline): Uncertain significance (1 of 4 stars; one submission).

Conditions:
Leukocyte adhesion deficiency 1 (LAD1). Also called: LEUKOCYTE ADHESION DEFICIENCY, TYPE I; LAD 1; Lymphocyte function-associated antigen 1 immunodeficiency; LFA 1 immunodeficiency. Identifiers: Orphanet 2968, Orphanet 99842, MedGen C0398738, MONDO:0007293, OMIM 116920.

Allele frequency attached by ClinVar (database versions not stated): gnomAD exomes below 0.00001; gnomAD 0.00001; TOPMed 0.00001.
gnomAD v4.1: 5 of 1,613,654 alleles (0.00031%); highest among the groups gnomAD compares: South Asian, 0.0011%; no homozygotes.

Submission:

Labcorp Genetics (formerly Invitae), Labcorp
Classification: Uncertain significance for Leukocyte adhesion deficiency 1. Last evaluated: 2022-01-14. Review status: criteria provided, single submitter. Criteria: Invitae Variant Classification Sherloc (09022015). Collection method: clinical testing. Allele origin: germline.
Comment: This sequence change affects codon 408 of the ITGB2 mRNA. It is a 'silent' change, meaning that it does not change the encoded amino acid sequence of the ITGB2 protein. This variant also falls at the last nucleotide of exon 10, which is part of the consensus splice site for this exon. This variant is present in population databases (rs777120738, gnomAD 0.003%). This variant has not been reported in the literature in individuals affected with ITGB2-related conditions. ClinVar contains an entry for this variant (Variation ID: 1009826). Variants that disrupt the consensus splice site are a relatively common cause of aberrant splicing (PMID: 17576681, 9536098). Algorithms developed to predict the effect of sequence changes on RNA splicing suggest that this variant may disrupt the consensus splice site. In summary, the available evidence is currently insufficient to determine the role of this variant in disease. Therefore, it has been classified as a Variant of Uncertain Significance.

Literature cited by the submitters: PubMed 17576681; PubMed 9536098.